The following is an entry in ClinVar:

NM_000528.4(MAN2B1):c.2267+5G>A

Gene: MAN2B1 (mannosidase alpha class 2B member 1; minus strand). Cytogenetic location: 19p13.13.
Variant type: single nucleotide variant.
Coding change: c.2267+5G>A on transcript NM_000528.4 (MANE Select); 5 bases into the intron after coding-DNA position 2267, G replaced by A.
Molecular consequence: intron variant.
Genome position (GRCh38, 1-based): chr19:12,649,908, C>T on the plus strand (G>A on the coding strand, the complement: MAN2B1 is on the minus strand). VCF-style: chr19-12649908-C-T. GRCh37 (hg19) VCF-style: chr19-12760722-C-T.
Other names: c.2264+5G>A (NM_001173498.2).
Identifiers: ClinVar variation 1951172 (VCV001951172.2), dbSNP rs1202067332, ClinGen allele CA632119551.
Genomic context (GRCh38, chr19:12,649,908, plus strand): 5'-CCTCACCACCCCTGGGCCCCAACACACCACAGACCACCCCCTCAGTGCTCTCAGTCACCC[C>T]CCACCTCCTCTCCAGGATCTCCCGGCCATTGCTGTCTGTGTAGAAGCGTCCCTTTGTCTC-3'

ClinVar aggregate classification (germline): Uncertain significance (1 of 4 stars; one submission).

Conditions:
Deficiency of alpha-mannosidase (MANSA). Also called: LYSOSOMAL ALPHA-D-MANNOSIDASE DEFICIENCY; Alpha-Mannosidosis; Mannosidosis, alpha-, types I and II. Identifiers: Orphanet 61, MedGen C0024748, MONDO:0009561, OMIM 248500.

Allele frequency attached by ClinVar (database versions not stated): gnomAD exomes below 0.00001; gnomAD 0.00001.
gnomAD v4.1: 6 of 1,611,962 alleles (0.00037%); highest among the groups gnomAD compares: Non-Finnish European, 0.00051%; no homozygotes.

Submission:

Labcorp Genetics (formerly Invitae), Labcorp
Classification: Uncertain significance for Deficiency of alpha-mannosidase. Last evaluated: 2022-06-22. Review status: criteria provided, single submitter. Criteria: Invitae Variant Classification Sherloc (09022015). Collection method: clinical testing. Allele origin: germline.
Comment: This sequence change falls in intron 18 of the MAN2B1 gene. It does not directly change the encoded amino acid sequence of the MAN2B1 protein. It affects a nucleotide within the consensus splice site. This variant is present in population databases (no rsID available, gnomAD 0.0009%). This variant has not been reported in the literature in individuals affected with MAN2B1-related conditions. Variants that disrupt the consensus splice site are a relatively common cause of aberrant splicing (PMID: 17576681, 9536098). Algorithms developed to predict the effect of sequence changes on RNA splicing suggest that this variant may disrupt the consensus splice site. In summary, the available evidence is currently insufficient to determine the role of this variant in disease. Therefore, it has been classified as a Variant of Uncertain Significance.

Literature cited by the submitters: PubMed 17576681; PubMed 9536098.